The following is an entry in ClinVar:

NM_006904.7(PRKDC):c.6282G>A (p.Met2094Ile)

Gene: PRKDC (protein kinase, DNA-activated, catalytic subunit; minus strand). Cytogenetic location: 8q11.21.
Variant type: single nucleotide variant.
Coding change: c.6282G>A on transcript NM_006904.7 (MANE Select); coding-DNA position 6282, G replaced by A.
Protein change: p.Met2094Ile; replaces methionine 2094 with isoleucine.
Molecular consequence: missense variant.
Genome position (GRCh38, 1-based): chr8:47,858,912, C>T on the plus strand (G>A on the coding strand, the complement: PRKDC is on the minus strand). VCF-style: chr8-47858912-C-T. GRCh37 (hg19) VCF-style: chr8-48771473-C-T.
Other names: c.6282G>A, p.Met2094Ile (NM_001081640.2); short protein forms M2094I.
Identifiers: ClinVar variation 1752608 (VCV001752608.3), dbSNP rs2551870086, ClinGen allele CA371160942.
Genomic context (GRCh38, chr8:47,858,912, plus strand): 5'-TTCTCCTTGAGGCGGGCCCAGGCTTCTGTGCATGTGCTTGACCAGGGCCGTCAGGGGCGC[C>T]ATGCACTCATGCCGATTGAGCTCGTCCATCTCCAGCTCCAGCACATCATCATGCACCGTG-3'
Protein context (NP_008835.5, residues 2084-2104): EMDELNRHEC[Met2094Ile]APLTALVKHM

ClinVar aggregate classification (germline): Uncertain significance (1 of 4 stars; one submission).

Submission:

Ambry Genetics
Classification: Uncertain significance. Last evaluated: 2022-10-31. Review status: criteria provided, single submitter. Criteria: Ambry Variant Classification Scheme 2023. Collection method: clinical testing. Allele origin: germline.
Comment: The p.M2094I variant (also known as c.6282G>A), located in coding exon 47 of the PRKDC gene, results from a G to A substitution at nucleotide position 6282. The methionine at codon 2094 is replaced by isoleucine, an amino acid with highly similar properties. This amino acid position is conserved. In addition, this alteration is predicted to be tolerated by in silico analysis. Since supporting evidence is limited at this time, the clinical significance of this alteration remains unclear.